The following is an entry in ClinVar:

ClinVar aggregate classification (germline): Likely benign (1 of 4 stars; one submission).

gnomAD v4.1: 18 of 1,613,838 alleles (0.0011%); highest among the groups gnomAD compares: Non-Finnish European, 0.0015%; no homozygotes.

Submission:

CeGaT Center for Human Genetics Tuebingen
Classification: Likely benign. Last evaluated: 2025-04-01. Review status: criteria provided, single submitter. Criteria: CeGaT Center For Human Genetics Tuebingen Variant Classification Criteria Version 2. Collection method: clinical testing. Allele origin: germline. Affected: yes. Observed: 1 variant allele.
Comment: SPEF2: BP4, BP7

NM_024867.4(SPEF2):c.1860T>C (p.Asp620=)

Gene: SPEF2 (sperm flagellar and cilia associated 2; plus strand). Cytogenetic location: 5p13.2.
Variant type: single nucleotide variant.
Coding change: c.1860T>C on transcript NM_024867.4 (MANE Select); coding-DNA position 1860, T replaced by C.
Protein change: p.Asp620=; no amino-acid change (aspartic acid 620 retained).
Molecular consequence: synonymous variant.
Genome position (GRCh38, 1-based): chr5:35,692,685, T>C. VCF-style: chr5-35692685-T-C. GRCh37 (hg19) VCF-style: chr5-35692787-T-C.
Identifiers: ClinVar variation 3898373 (VCV003898373.7).